The following is an entry in ClinVar:

ClinVar aggregate classification (germline): Uncertain significance. Review status: criteria provided, multiple submitters, no conflicts (2 of 4 stars). 3 submissions from 3 submitters: Uncertain significance (3). Last evaluated 2024-12-09.

Conditions:
Fish-eye disease (FED). Also called: ALPHA-LCAT DEFICIENCY; DYSLIPOPROTEINEMIC CORNEAL DYSTROPHY; LCATA DEFICIENCY. Identifiers: Orphanet 650, Orphanet 79292, MedGen C0342895, MONDO:0007620, OMIM 136120.
Norum disease. Also called: Familial lecithin cholesterol acyltransferase deficiency. Identifiers: Orphanet 79293, MedGen C0023195, MONDO:0009515, OMIM 245900.

Allele frequency attached by ClinVar (database versions not stated): ESP Exome Variant Server 0.00008; TOPMed 0.00011; gnomAD exomes 0.00014 and 0.00015; ExAC 0.00018; gnomAD 0.00022.

Submissions (3):

Labcorp Genetics (formerly Invitae), Labcorp
Classification: Uncertain significance. Last evaluated: 2024-12-09. Review status: criteria provided, single submitter. Criteria: Invitae Variant Classification Sherloc (09022015). Collection method: clinical testing. Allele origin: germline.
Comment: This sequence change replaces arginine, which is basic and polar, with cysteine, which is neutral and slightly polar, at codon 347 of the LCAT protein (p.Arg347Cys). This variant is present in population databases (rs202017590, gnomAD 0.08%). This missense change has been observed in individual(s) with clinical features of LCAT-related conditions (PMID: 21901787, 28870971). ClinVar contains an entry for this variant (Variation ID: 320197). Invitae Evidence Modeling of protein sequence and biophysical properties (such as structural, functional, and spatial information, amino acid conservation, physicochemical variation, residue mobility, and thermodynamic stability) has been performed for this missense variant. However, the output from this modeling did not meet the statistical confidence thresholds required to predict the impact of this variant on LCAT protein function. Experimental studies have shown that this missense change affects LCAT function (PMID: 21901787). In summary, the available evidence is currently insufficient to determine the role of this variant in disease. Therefore, it has been classified as a Variant of Uncertain Significance.

Blueprint Genetics
Classification: Uncertain significance. Last evaluated: 2024-11-08. Review status: criteria provided, single submitter. Criteria: ACMG Guidelines, 2015. Collection method: clinical testing. Allele origin: germline.

Fulgent Genetics
Classification: Uncertain significance for Fish-eye disease; Norum disease. Last evaluated: 2024-04-20. Review status: criteria provided, single submitter. Criteria: ACMG Guidelines, 2015. Collection method: clinical testing. Allele origin: germline.

Literature cited by the submitters: PubMed 21901787 (cited by Labcorp Genetics (formerly Invitae), Labcorp); PubMed 28870971 (cited by Labcorp Genetics (formerly Invitae), Labcorp).

NM_000229.2(LCAT):c.1039C>T (p.Arg347Cys)

Gene: LCAT (lecithin-cholesterol acyltransferase; minus strand). Cytogenetic location: 16q22.1.
Variant type: single nucleotide variant.
Coding change: c.1039C>T on transcript NM_000229.2 (MANE Select); coding-DNA position 1039, C replaced by T.
Protein change: p.Arg347Cys; replaces arginine 347 with cysteine.
Molecular consequence: missense variant.
Genome position (GRCh38, 1-based): chr16:67,940,188, G>A on the plus strand (C>T on the coding strand, the complement: LCAT is on the minus strand). VCF-style: chr16-67940188-G-A. GRCh37 (hg19) VCF-style: chr16-67974091-G-A.
Other names: short protein forms R347C.
Identifiers: ClinVar variation 320197 (VCV000320197.10), dbSNP rs202017590, ClinGen allele CA8120908.